The following is an entry in ClinVar:

ClinVar aggregate classification (germline): Uncertain significance (1 of 4 stars; one submission).

Submission:

GeneDx
Classification: Uncertain significance. Last evaluated: 2024-11-26. Review status: criteria provided, single submitter. Criteria: GeneDx Variant Classification Process June 2021. Collection method: clinical testing. Allele origin: germline. Affected: yes.
Comment: Not observed at significant frequency in large population cohorts (gnomAD); In silico analysis supports that this missense variant has a deleterious effect on protein structure/function; Has not been previously published as pathogenic or benign to our knowledge

NM_170606.3(KMT2C):c.13274A>G (p.Asp4425Gly)

Gene: KMT2C (lysine methyltransferase 2C; minus strand). Cytogenetic location: 7q36.1.
Variant type: single nucleotide variant.
Coding change: c.13274A>G on transcript NM_170606.3 (MANE Select); coding-DNA position 13274, A replaced by G.
Protein change: p.Asp4425Gly; replaces aspartic acid 4425 with glycine.
Molecular consequence: missense variant.
Genome position (GRCh38, 1-based): chr7:152,148,653, T>C on the plus strand (A>G on the coding strand, the complement: KMT2C is on the minus strand). VCF-style: chr7-152148653-T-C. GRCh37 (hg19) VCF-style: chr7-151845738-T-C.
Other names: short protein forms D4425G.
Identifiers: ClinVar variation 3900808 (VCV003900808.1).